The following is an entry in ClinVar:

NM_001384474.1(LOXHD1):c.4239C>A (p.Cys1413Ter)

Gene: LOXHD1 (lipoxygenase homology PLAT domains 1; minus strand). Cytogenetic location: 18q21.1.
Variant type: single nucleotide variant.
Coding change: c.4239C>A on transcript NM_001384474.1 (MANE Select); coding-DNA position 4239, C replaced by A.
Protein change: p.Cys1413Ter; replaces cysteine 1413 with a stop codon.
Molecular consequence: nonsense.
Genome position (GRCh38, 1-based): chr18:46,533,298, G>T on the plus strand (C>A on the coding strand, the complement: LOXHD1 is on the minus strand). VCF-style: chr18-46533298-G-T. GRCh37 (hg19) VCF-style: chr18-44113261-G-T.
Other names: c.4239C>A (NM_144612.6); c.906C>A, p.Cys302Ter (NM_001145472.3); c.618C>A, p.Cys206Ter (NM_001308013.2); c.4239C>A, p.Cys1413Ter (NM_144612.7); short protein forms C206*, C302*, C1413*.
Identifiers: ClinVar variation 2971492 (VCV002971492.4), dbSNP rs886053827, ClinGen allele CA402375328.
Genomic context (GRCh38, chr18:46,533,298, plus strand): 5'-ATATGGAACCAGTTCTCGAATGGTCTTTTTGTCATCCTCAGAGGTGGCAAGCCACCGATC[G>T]CATGGGAAAGTCAAGGTCTCTGCACCCTGGGGTGAGGCAGAAAAAGGAAAATTAGCCCTT-3'

ClinVar aggregate classification (germline): Pathogenic/Likely pathogenic. Review status: criteria provided, multiple submitters, no conflicts (2 of 4 stars). 2 submissions from 2 submitters: Pathogenic (1); Likely pathogenic (1). Last evaluated 2024-09-30.

Conditions:
Autosomal recessive nonsyndromic hearing loss 77. Identifiers: Orphanet 90636, MedGen C2746083, MONDO:0013119, OMIM 613079.

gnomAD v4.1: 14 of 1,551,822 alleles (0.0009%); highest among the groups gnomAD compares: Non-Finnish European, 0.0012%; no homozygotes.

Submissions (2):

Natera, Inc.
Classification: Likely pathogenic for Autosomal recessive deafness type 77. Last evaluated: 2024-09-30. Review status: criteria provided, single submitter. Criteria: Natera Variant Classification Schema (03/2026). Collection method: clinical testing. Allele origin: germline.
Comment: The c.4239C>A variant in LOXHD1 is a nonsense variant predicted to introduce a stop codon at amino acid 1413. This variant is expected to result in nonsense mediated decay, truncation, or a dysfunctional protein product. This variant is rare in the general population with a frequency below the threshold expected for the associated phenotype(s). Given the available evidence, this variant is classified as Likely Pathogenic.

Labcorp Genetics (formerly Invitae), Labcorp
Classification: Pathogenic. Last evaluated: 2023-07-16. Review status: criteria provided, single submitter. Criteria: Invitae Variant Classification Sherloc (09022015). Collection method: clinical testing. Allele origin: germline.
Comment: For these reasons, this variant has been classified as Pathogenic. This variant has not been reported in the literature in individuals affected with LOXHD1-related conditions. This variant is not present in population databases (gnomAD no frequency). This sequence change creates a premature translational stop signal (p.Cys1413*) in the LOXHD1 gene. It is expected to result in an absent or disrupted protein product. Loss-of-function variants in LOXHD1 are known to be pathogenic (PMID: 19732867, 21465660, 25792669).

Literature cited by the submitters: PubMed 19732867 (cited by Labcorp Genetics (formerly Invitae), Labcorp); PubMed 21465660 (cited by Labcorp Genetics (formerly Invitae), Labcorp); PubMed 25792669 (cited by Labcorp Genetics (formerly Invitae), Labcorp).